The following is an entry in ClinVar:

ClinVar aggregate classification (germline): Uncertain significance (1 of 4 stars; one submission).

gnomAD v4.1: 1 of 1,552,352 alleles (0.000064%); highest among the groups gnomAD compares: Non-Finnish European, 0.000087%; no homozygotes.

Submission:

Labcorp Genetics (formerly Invitae), Labcorp
Classification: Uncertain significance. Last evaluated: 2022-08-31. Review status: criteria provided, single submitter. Criteria: Invitae Variant Classification Sherloc (09022015). Collection method: clinical testing. Allele origin: germline.
Comment: This sequence change replaces histidine, which is basic and polar, with glutamine, which is neutral and polar, at codon 304 of the ERCC2 protein (p.His304Gln). This variant is not present in population databases (gnomAD no frequency). This variant has not been reported in the literature in individuals affected with ERCC2-related conditions. ClinVar contains an entry for this variant (Variation ID: 1424783). Algorithms developed to predict the effect of missense changes on protein structure and function (SIFT, PolyPhen-2, Align-GVGD) all suggest that this variant is likely to be tolerated. In summary, the available evidence is currently insufficient to determine the role of this variant in disease. Therefore, it has been classified as a Variant of Uncertain Significance.

NM_000400.4(ERCC2):c.912C>G (p.His304Gln)

Gene: ERCC2 (ERCC excision repair 2, TFIIH core complex helicase subunit; minus strand). Cytogenetic location: 19q13.32.
Variant type: single nucleotide variant.
Coding change: c.912C>G on transcript NM_000400.4 (MANE Select); coding-DNA position 912, C replaced by G.
Protein change: p.His304Gln; replaces histidine 304 with glutamine.
Molecular consequence: missense variant.
Genome position (GRCh38, 1-based): chr19:45,364,023, G>C on the plus strand (C>G on the coding strand, the complement: ERCC2 is on the minus strand). VCF-style: chr19-45364023-G-C. GRCh37 (hg19) VCF-style: chr19-45867281-G-C.
Other names: c.840C>G, p.His280Gln (NM_001130867.2); short protein forms H304Q, H280Q.
Identifiers: ClinVar variation 1424783 (VCV001424783.3), dbSNP rs369477332, ClinGen allele CA406373433.